The following is an entry in ClinVar:

ClinVar aggregate classification (germline): Uncertain significance (1 of 4 stars; one submission).

Submission:

GeneDx
Classification: Uncertain significance. Last evaluated: 2026-03-12. Review status: criteria provided, single submitter. Criteria: GeneDx Variant Classification Process June 2021. Collection method: clinical testing. Allele origin: germline.
Comment: Not observed at significant frequency in large population cohorts (gnomAD); In silico analysis supports that this missense variant has a deleterious effect on protein structure/function; Has not been previously published as pathogenic or benign to our knowledge

NM_017841.4(SDHAF2):c.299A>T (p.Lys100Met)

Gene: SDHAF2 (succinate dehydrogenase complex assembly factor 2; plus strand). Cytogenetic location: 11q12.2.
Variant type: single nucleotide variant.
Coding change: c.299A>T on transcript NM_017841.4 (MANE Select); coding-DNA position 299, A replaced by T.
Protein change: p.Lys100Met; replaces lysine 100 with methionine.
Molecular consequence: missense variant.
Genome position (GRCh38, 1-based): chr11:61,438,042, A>T. VCF-style: chr11-61438042-A-T. GRCh37 (hg19) VCF-style: chr11-61205514-A-T.
Other names: short protein forms K100M.
Identifiers: ClinVar variation 5008882 (VCV005008882.1).